The following is an entry in ClinVar:

ClinVar aggregate classification (germline): Likely benign. Review status: criteria provided, multiple submitters, no conflicts (2 of 4 stars). 2 submissions from 2 submitters: Likely benign (2). Last evaluated 2023-11-28.

Conditions:
Dilated cardiomyopathy 1G (CMD1G). Identifiers: Orphanet 154, MedGen C1858763, MONDO:0011400, OMIM 604145.
Autosomal recessive limb-girdle muscular dystrophy type 2J (LGMDR10). Also called: Limb-girdle muscular dystrophy, type 2J; MUSCULAR DYSTROPHY, LIMB-GIRDLE, AUTOSOMAL RECESSIVE 10. Identifiers: Orphanet 140922, MedGen C1837342, MONDO:0012127, OMIM 608807.

Allele frequency attached by ClinVar (database versions not stated): gnomAD exomes below 0.00001 and 0.00001; ExAC 0.00001; TOPMed 0.00001; gnomAD 0.00002.
gnomAD v4.1: 11 of 1,613,140 alleles (0.00068%); highest among the groups gnomAD compares: Admixed American, 0.005%; no homozygotes.

Submissions (2):

Labcorp Genetics (formerly Invitae), Labcorp
Classification: Likely benign for Dilated cardiomyopathy 1G; Autosomal recessive limb-girdle muscular dystrophy type 2J. Last evaluated: 2023-11-28. Review status: criteria provided, single submitter. Criteria: Invitae Variant Classification Sherloc (09022015). Collection method: clinical testing. Allele origin: germline.

Laboratory for Molecular Medicine, Mass General Brigham Personalized Medicine
Classification: Likely benign. Last evaluated: 2013-04-09. Review status: criteria provided, single submitter. Criteria: LMM Criteria. Collection method: clinical testing. Allele origin: germline. Observed: 1 variant allele.
Comment: Val8952Val in exon 107 of TTN: This variant is not expected to have clinical sig nificance because it does not alter an amino acid residue and is not located wit hin the splice consensus sequence. Val8952Val in exon 107 of TTN (allele freque ncy = n/a)

NM_001267550.2(TTN):c.30588G>A (p.Val10196=)

Gene: TTN (titin; minus strand). Cytogenetic location: 2q31.2.
Variant type: single nucleotide variant.
Coding change: c.30588G>A on transcript NM_001267550.2 (MANE Select); coding-DNA position 30588, G replaced by A.
Protein change: p.Val10196=; no amino-acid change (valine 10196 retained).
Molecular consequence: synonymous variant. On other transcripts: intron variant (3).
Genome position (GRCh38, 1-based): chr2:178,701,538, C>T on the plus strand (G>A on the coding strand, the complement: TTN is on the minus strand). VCF-style: chr2-178701538-C-T. GRCh37 (hg19) VCF-style: chr2-179566265-C-T.
Other names: c.26856G>A, p.Val8952= (NM_133378.4); c.29637G>A, p.Val9879= (NM_001256850.1); c.13282+36544G>A (NM_003319.4); c.13858+36544G>A (NM_133437.4); c.13657+36544G>A (NM_133432.3).
Identifiers: ClinVar variation 178899 (VCV000178899.14), dbSNP rs727504524, ClinGen allele CA183258.